The following is an entry in ClinVar:

NM_000540.3(RYR1):c.10445G>A (p.Gly3482Glu)

Gene: RYR1 (ryanodine receptor 1; plus strand). Cytogenetic location: 19q13.2.
Variant type: single nucleotide variant.
Coding change: c.10445G>A on transcript NM_000540.3 (MANE Select); coding-DNA position 10445, G replaced by A.
Protein change: p.Gly3482Glu; replaces glycine 3482 with glutamic acid.
Molecular consequence: missense variant. On other transcripts: intron variant (1).
Genome position (GRCh38, 1-based): chr19:38,523,919, G>A. VCF-style: chr19-38523919-G-A. GRCh37 (hg19) VCF-style: chr19-39014559-G-A.
Other names: c.10440+610G>A (NM_001042723.2); short protein forms G3482E.
Identifiers: ClinVar variation 3073145 (VCV003073145.1), dbSNP rs1971340205, ClinGen allele CA405700082.

ClinVar aggregate classification (germline): Uncertain significance (1 of 4 stars; one submission).

Conditions:
Malignant hyperthermia, susceptibility to, 1 (MHS1). Also called: Anesthesia related hyperthermia; Malignant hyperpyrexia; Fulminating hyperpyrexia; Pharmacogenic myopathy; RYR1-Related Malignant Hyperthermia Susceptibility; Malignant hyperthermia suceptibility 1. Identifiers: Orphanet 423, MedGen C2930980, MONDO:0007783, OMIM 145600.

Submission:

All of Us Research Program, National Institutes of Health
Classification: Uncertain significance for Malignant hyperthermia, susceptibility to, 1. Last evaluated: 2023-08-23. Review status: criteria provided, single submitter. Criteria: ACMG Guidelines, 2015. Collection method: clinical testing. Allele origin: germline. Inheritance: Autosomal dominant inheritance. Observed: 1 variant allele, 1 heterozygote.
Comment: This missense variant replaces glycine with glutamic acid at codon 3482 of the RYR1 protein. Computational prediction suggests that this variant may not impact protein structure and function (internally defined REVEL score threshold <= 0.5, PMID: 27666373). To our knowledge, functional studies have not been reported for this variant. This variant has not been reported in individuals affected with RYR1-related disorders in the literature. This variant has not been identified in the general population by the Genome Aggregation Database (gnomAD). The available evidence is insufficient to determine the role of this variant in disease conclusively. Therefore, this variant is classified as a Variant of Uncertain Significance.

This study involves interpretation of variants in research participants for the purpose of population health screening. Participant phenotype was not available at the time of variant classification. Additional details can be found in publication PMID: 35346344, PMCID: PMC8962531